The following is an entry in ClinVar:

ClinVar aggregate classification (germline): Likely pathogenic (1 of 4 stars; one submission).

Conditions:
Carnitine acylcarnitine translocase deficiency (CACTD). Identifiers: Orphanet 159, MedGen C0342791, MONDO:0008918, OMIM 212138.

Submission:

Labcorp Genetics (formerly Invitae), Labcorp
Classification: Likely pathogenic for Carnitine acylcarnitine translocase deficiency. Last evaluated: 2023-03-26. Review status: criteria provided, single submitter. Criteria: Invitae Variant Classification Sherloc (09022015). Collection method: clinical testing. Allele origin: germline.
Comment: In summary, the currently available evidence indicates that the variant is pathogenic, but additional data are needed to prove that conclusively. Therefore, this variant has been classified as Likely Pathogenic. Algorithms developed to predict the effect of sequence changes on RNA splicing suggest that this variant may disrupt the consensus splice site. Disruption of this splice site has been observed in individual(s) with carnitine-acylcarnitine translocase deficiency (PMID: 33634872). This variant is not present in population databases (gnomAD no frequency). This sequence change affects a donor splice site in intron 4 of the SLC25A20 gene. It is expected to disrupt RNA splicing. Variants that disrupt the donor or acceptor splice site typically lead to a loss of protein function (PMID: 16199547), and loss-of-function variants in SLC25A20 are known to be pathogenic (PMID: 25614308).

Literature cited by the submitters: PubMed 33634872; PubMed 16199547; PubMed 25614308.

NM_000387.6(SLC25A20):c.417+1G>A

Gene: SLC25A20 (solute carrier family 25 member 20; minus strand). Cytogenetic location: 3p21.31.
Variant type: single nucleotide variant.
Coding change: c.417+1G>A on transcript NM_000387.6 (MANE Select); the canonical splice donor site of the intron after coding-DNA position 417, G replaced by A.
Molecular consequence: splice donor variant.
Genome position (GRCh38, 1-based): chr3:48,879,357, C>T on the plus strand (G>A on the coding strand, the complement: SLC25A20 is on the minus strand). VCF-style: chr3-48879357-C-T. GRCh37 (hg19) VCF-style: chr3-48916790-C-T.
Identifiers: ClinVar variation 2780024 (VCV002780024.3), dbSNP rs2471021109, ClinGen allele CA352632324.